The following is an entry in ClinVar:

ClinVar aggregate classification (germline): Pathogenic (1 of 4 stars; one submission).

Conditions:
Hereditary cancer-predisposing syndrome. Also called: Hereditary Cancer Syndrome; Neoplastic Syndromes, Hereditary; Hereditary neoplastic syndrome; Tumor predisposition. Identifiers: Orphanet 140162, MedGen C0027672, MeSH D009386, MONDO:0015356.

Submission:

Ambry Genetics
Classification: Pathogenic for Hereditary cancer-predisposing syndrome. Last evaluated: 2016-09-27. Review status: criteria provided, single submitter. Criteria: Ambry Variant Classification Scheme 2023. Collection method: clinical testing. Allele origin: germline.
Comment: The c.3300dupT pathogenic mutation, located in coding exon 15 of the APC gene, results from a duplication of T at nucleotide position 3300, causing a translational frameshift with a predicted alternate stop codon. This alteration is expected to result in loss of function by premature protein truncation. As such, this alteration is interpreted as a disease-causing mutation.

NM_000038.6(APC):c.3300dup (p.Pro1101fs)

Gene: APC (APC regulator of Wnt signaling pathway; plus strand). Cytogenetic location: 5q22.2.
Variant type: Duplication.
Coding change: c.3300dup on transcript NM_000038.6 (MANE Select); coding-DNA position 3300, one base duplicated (T; older notation c.3300dupT).
Protein change: p.Pro1101fs; shifts the reading frame from proline 1101.
Molecular consequence: frameshift variant.
Genome position (GRCh38, 1-based): chr5:112,838,894, T duplicated. VCF-style (leftmost placement, unchanged base first): chr5-112838893-C-CT. GRCh37 (hg19) VCF-style: chr5-112174590-C-CT.
Other names: c.3300dup, p.Pro1101fs (NM_001127510.3, NM_001354895.2); c.3246dup, p.Pro1083fs (NM_001127511.3); c.3354dup, p.Pro1119fs (NM_001354896.2); c.3330dup, p.Pro1111fs (NM_001354897.2); c.3225dup, p.Pro1076fs (NM_001354898.2); c.3216dup, p.Pro1073fs (NM_001354899.2); c.3177dup, p.Pro1060fs (NM_001354900.2); c.3123dup, p.Pro1042fs (NM_001354901.2); and 6 more; short protein forms P1111fs, P818fs, P1000fs, P1060fs, P1073fs, P975fs, P1010fs, P1083fs.
Identifiers: ClinVar variation 428177 (VCV000428177.5), dbSNP rs1114167609, ClinGen allele CA645369363.